The following is an entry in ClinVar:

NM_000548.5(TSC2):c.2355+214G>T

Gene: TSC2 (TSC complex subunit 2; plus strand). Cytogenetic location: 16p13.3.
Variant type: single nucleotide variant.
Coding change: c.2355+214G>T on transcript NM_000548.5 (MANE Select); 214 bases into the intron after coding-DNA position 2355, G replaced by T.
Molecular consequence: intron variant.
Genome position (GRCh38, 1-based): chr16:2,073,197, G>T. VCF-style: chr16-2073197-G-T. GRCh37 (hg19) VCF-style: chr16-2123198-G-T.
Other names: c.2355+214G>T (NM_001114382.3, NM_021055.3, NM_001370405.1 and 3 more transcripts); c.2244+214G>T (NM_001318827.2); c.1755+214G>T (NM_001318831.2); c.2208+214G>T (NM_001318829.2); c.2388+214G>T (NM_001318832.2).
Identifiers: ClinVar variation 677147 (VCV000677147.1), dbSNP rs117996133, ClinGen allele CA14236173.

ClinVar aggregate classification (germline): Likely benign (1 of 4 stars; one submission).

Allele frequency attached by ClinVar (database versions not stated): 1000 Genomes Project 30x 0.00718; 1000 Genomes Project 0.00739; TOPMed 0.02368; gnomAD 0.02481.
gnomAD v4.1: 3,650 of 152,338 alleles (2.4%); highest among the groups gnomAD compares: Non-Finnish European, 3.9%; 64 homozygotes.

Submission:

GeneDx
Classification: Likely benign. Last evaluated: 2018-06-16. Review status: criteria provided, single submitter. Criteria: GeneDx Variant Classification (06012015). Collection method: clinical testing. Allele origin: germline. Affected: yes.
Comment: This variant is considered likely benign or benign based on one or more of the following criteria: it is a conservative change, it occurs at a poorly conserved position in the protein, it is predicted to be benign by multiple in silico algorithms, and/or has population frequency not consistent with disease.